The following is an entry in ClinVar:

ClinVar aggregate classification (germline): Likely benign. Review status: criteria provided, multiple submitters, no conflicts (2 of 4 stars). 2 submissions from 2 submitters: Likely benign (2). Last evaluated 2026-01-01.

Allele frequency attached by ClinVar (database versions not stated): ExAC 0.00001; gnomAD 0.00003; TOPMed 0.00003.
gnomAD v4.1: 79 of 1,613,728 alleles (0.0049%); highest among the groups gnomAD compares: Admixed American, 0.013%; no homozygotes.

Submissions (2):

CeGaT Center for Human Genetics Tuebingen
Classification: Likely benign. Last evaluated: 2026-01-01. Review status: criteria provided, single submitter. Criteria: CeGaT Center For Human Genetics Tuebingen Variant Classification Criteria Version 2. Collection method: clinical testing. Allele origin: germline. Affected: yes. Observed: 1 variant allele.
Comment: GDF5: BP4, BP7

Labcorp Genetics (formerly Invitae), Labcorp
Classification: Likely benign. Last evaluated: 2024-10-25. Review status: criteria provided, single submitter. Criteria: Invitae Variant Classification Sherloc (09022015). Collection method: clinical testing. Allele origin: germline.

NM_000557.5(GDF5):c.1491G>A (p.Ser497=)

Genes: GDF5 (growth differentiation factor 5; minus strand), GDF5-AS1 (GDF5 antisense RNA 1; plus strand). Cytogenetic location: 20q11.22.
Variant type: single nucleotide variant.
Coding change: c.1491G>A on transcript NM_000557.5 (MANE Select); coding-DNA position 1491, G replaced by A.
Protein change: p.Ser497=; no amino-acid change (serine 497 retained).
Molecular consequence: synonymous variant. On other transcripts: non-coding transcript variant (1).
Genome position (GRCh38, 1-based): chr20:35,433,924, C>T on the plus strand (G>A on the coding strand, the complement: GDF5 is on the minus strand). VCF-style: chr20-35433924-C-T. GRCh37 (hg19) VCF-style: chr20-34021722-C-T.
Other names: c.1491G>A, p.Ser497= (NM_001319138.2).
Identifiers: ClinVar variation 2749506 (VCV002749506.7), dbSNP rs758791230, ClinGen allele CA9832110.
Genomic context (GRCh38, chr20:35,433,924, plus strand): 5'-GGGCTCTTGGGATGTGCCACCCAGGAAGACAGAGGGCCAGTGCTGCTACCTGCAGCCACA[C>T]GACTCCACGACCATGTCCTCATACTGCTTATACACCACGTTGTTGGCAGAGTCAATGAAG-3'
Protein context (NP_000548.2, residues 487-501): YKQYEDMVVE[Ser497=]CGCR